The following is an entry in ClinVar:

NM_000535.7(PMS2):c.1811A>G (p.Gln604Arg)

Gene: PMS2 (PMS1 homolog 2, mismatch repair system component; minus strand). Cytogenetic location: 7p22.1.
Variant type: single nucleotide variant.
Coding change: c.1811A>G on transcript NM_000535.7 (MANE Select); coding-DNA position 1811, A replaced by G.
Protein change: p.Gln604Arg; replaces glutamine 604 with arginine.
Molecular consequence: missense variant. On other transcripts: non-coding transcript variant (1).
Genome position (GRCh38, 1-based): chr7:5,986,954, T>C on the plus strand (A>G on the coding strand, the complement: PMS2 is on the minus strand). VCF-style: chr7-5986954-T-C. GRCh37 (hg19) VCF-style: chr7-6026585-T-C.
Other names: c.1406A>G, p.Gln469Arg (NM_001322003.2, NM_001322004.2, NM_001322005.2 and 1 more transcripts); c.1655A>G, p.Gln552Arg (NM_001322006.2); c.1493A>G, p.Gln498Arg (NM_001322007.2, NM_001322008.2); c.1250A>G, p.Gln417Arg (NM_001322010.2); c.878A>G, p.Gln293Arg (NM_001322011.2, NM_001322012.2); c.1238A>G, p.Gln413Arg (NM_001322013.2); c.1811A>G, p.Gln604Arg (NM_001322014.2); c.1502A>G, p.Gln501Arg (NM_001322015.2); short protein forms Q293R, Q413R, Q417R, Q469R, Q498R, Q501R, Q552R, Q604R.
Identifiers: ClinVar variation 1061473 (VCV001061473.11), dbSNP rs2128723018, ClinGen allele CA366739740.

ClinVar aggregate classification (germline): Uncertain significance. Review status: criteria provided, multiple submitters, no conflicts (2 of 4 stars). 2 submissions from 2 submitters: Uncertain significance (2). Last evaluated 2024-07-27.

Conditions:
Hereditary nonpolyposis colorectal neoplasms. Identifiers: MedGen C0009405, MeSH D003123.
Hereditary cancer-predisposing syndrome. Also called: Neoplastic Syndromes, Hereditary; Hereditary Cancer Syndrome; Hereditary neoplastic syndrome; Tumor predisposition. Identifiers: Orphanet 140162, MedGen C0027672, MeSH D009386, MONDO:0015356.

Submissions (2):

Labcorp Genetics (formerly Invitae), Labcorp
Classification: Uncertain significance for Hereditary nonpolyposis colorectal neoplasms. Last evaluated: 2024-07-27. Review status: criteria provided, single submitter. Criteria: Invitae Variant Classification Sherloc (09022015). Collection method: clinical testing. Allele origin: germline.
Comment: This sequence change replaces glutamine, which is neutral and polar, with arginine, which is basic and polar, at codon 604 of the PMS2 protein (p.Gln604Arg). This variant is not present in population databases (gnomAD no frequency). This variant has not been reported in the literature in individuals affected with PMS2-related conditions. ClinVar contains an entry for this variant (Variation ID: 1061473). Advanced modeling of protein sequence and biophysical properties (such as structural, functional, and spatial information, amino acid conservation, physicochemical variation, residue mobility, and thermodynamic stability) has been performed at Invitae for this missense variant, however the output from this modeling did not meet the statistical confidence thresholds required to predict the impact of this variant on PMS2 protein function. In summary, the available evidence is currently insufficient to determine the role of this variant in disease. Therefore, it has been classified as a Variant of Uncertain Significance.

Ambry Genetics
Classification: Uncertain significance for Hereditary cancer-predisposing syndrome. Last evaluated: 2020-12-01. Review status: criteria provided, single submitter. Criteria: Ambry Variant Classification Scheme 2023. Collection method: clinical testing. Allele origin: germline.
Comment: The p.Q604R variant (also known as c.1811A>G), located in coding exon 11 of the PMS2 gene, results from an A to G substitution at nucleotide position 1811. The glutamine at codon 604 is replaced by arginine, an amino acid with highly similar properties. This amino acid position is poorly conserved in available vertebrate species. In addition, this alteration is predicted to be tolerated by in silico analysis. Since supporting evidence is limited at this time, the clinical significance of this alteration remains unclear.